The following is an entry in ClinVar:

ClinVar aggregate classification (germline): Conflicting classifications of pathogenicity. Review status: criteria provided, conflicting classifications (1 of 4 stars). 3 submissions from 3 submitters: Uncertain significance (2); Likely benign (1). Last evaluated 2026-09-15.

Conditions:
PTPRQ-related disorder. Also called: PTPRQ-related condition.

gnomAD v4.1: 223 of 1,551,354 alleles (0.014%); highest among the groups gnomAD compares: South Asian, 0.21%; 1 homozygote.

Submissions (3):

GeneDx
Classification: Uncertain significance. Last evaluated: 2026-09-15. Review status: criteria provided, single submitter. Criteria: GeneDx Variant Classification Process June 2021. Collection method: clinical testing. Allele origin: germline.
Comment: Has not been previously published as pathogenic or benign to our knowledge; In silico analysis supports that this missense variant has a deleterious effect on protein structure/function

PreventionGenetics, part of Exact Sciences
Classification: Likely benign for PTPRQ-related condition. Last evaluated: 2025-11-19. Review status: criteria provided, single submitter. Criteria: ACMG Guidelines, 2015. Collection method: clinical testing. Allele origin: germline.
Comment: This variant is classified as likely benign based on ACMG/AMP sequence variant interpretation guidelines (Richards et al. 2015 PMID: 25741868, with internal and published modifications).

Blueprint Genetics
Classification: Uncertain significance. Last evaluated: 2024-07-10. Review status: criteria provided, single submitter. Criteria: ACMG Guidelines, 2015. Collection method: clinical testing. Allele origin: germline.

NM_001145026.2(PTPRQ):c.3950C>T (p.Ala1317Val)

Gene: PTPRQ (protein tyrosine phosphatase receptor type Q; plus strand). Cytogenetic location: 12q21.31.
Variant type: single nucleotide variant.
Coding change: c.3950C>T on transcript NM_001145026.2 (MANE Select); coding-DNA position 3950, C replaced by T.
Protein change: p.Ala1317Val; replaces alanine 1317 with valine.
Molecular consequence: missense variant.
Genome position (GRCh38, 1-based): chr12:80,546,632, C>T. VCF-style: chr12-80546632-C-T. GRCh37 (hg19) VCF-style: chr12-80940411-C-T.
Other names: short protein forms A1317V.
Identifiers: ClinVar variation 4537889 (VCV004537889.4).